The following is an entry in ClinVar:

ClinVar aggregate classification (germline): Conflicting classifications of pathogenicity. Review status: criteria provided, conflicting classifications (1 of 4 stars). 2 submissions from 2 submitters: Uncertain significance (1); Likely benign (1). Last evaluated 2025-09-22.

Conditions:
Inborn genetic diseases. Identifiers: MedGen C0950123, MeSH D030342.

Allele frequency attached by ClinVar (database versions not stated): gnomAD 0.00002; TOPMed 0.00002.
gnomAD v4.1: 52 of 1,613,800 alleles (0.0032%); highest among the groups gnomAD compares: Non-Finnish European, 0.0042%; no homozygotes.

Submissions (2):

Labcorp Genetics (formerly Invitae), Labcorp
Classification: Uncertain significance. Last evaluated: 2025-09-22. Review status: criteria provided, single submitter. Criteria: Invitae Variant Classification Sherloc (09022015). Collection method: clinical testing. Allele origin: germline.
Comment: This sequence change replaces glutamine, which is neutral and polar, with glutamic acid, which is acidic and polar, at codon 170 of the MBD4 protein (p.Gln170Glu). This variant is not present in population databases (gnomAD no frequency). This variant has not been reported in the literature in individuals affected with MBD4-related conditions. ClinVar contains an entry for this variant (Variation ID: 2259372). An algorithm developed to predict the effect of missense changes on protein structure and function outputs the following: PolyPhen-2: "Benign". The glutamic acid amino acid residue is found in multiple mammalian species, which suggests that this missense change does not adversely affect protein function. In summary, the available evidence is currently insufficient to determine the role of this variant in disease. Therefore, it has been classified as a Variant of Uncertain Significance.

Ambry Genetics
Classification: Likely benign for Inborn genetic diseases. Last evaluated: 2021-11-08. Review status: criteria provided, single submitter. Criteria: Ambry Variant Classification Scheme 2023. Collection method: clinical testing. Allele origin: germline.

NM_001276270.2(MBD4):c.508C>G (p.Gln170Glu)

Gene: MBD4 (methyl-CpG binding domain 4, DNA glycosylase; minus strand). Cytogenetic location: 3q21.3.
Variant type: single nucleotide variant.
Coding change: c.508C>G on transcript NM_001276270.2 (MANE Select); coding-DNA position 508, C replaced by G.
Protein change: p.Gln170Glu; replaces glutamine 170 with glutamic acid.
Molecular consequence: missense variant. On other transcripts: intron variant (1).
Genome position (GRCh38, 1-based): chr3:129,437,136, G>C on the plus strand (C>G on the coding strand, the complement: MBD4 is on the minus strand). VCF-style: chr3-129437136-G-C. GRCh37 (hg19) VCF-style: chr3-129155979-G-C.
Other names: c.508C>G, p.Gln170Glu (NM_001276271.2, NM_001276272.2, NM_003925.3); c.247+672C>G (NM_001276273.2); short protein forms Q170E.
Identifiers: ClinVar variation 2259372 (VCV002259372.5), dbSNP rs1169081738, ClinGen allele CA354467883.